The following is an entry in ClinVar:

ClinVar aggregate classification (germline): Uncertain significance (1 of 4 stars; one submission).

Conditions:
Glycogen storage disease, type II (IOPD). Also called: Glucosidase acid-1,4-alpha deficiency; Pompe Disease; CARDIOMEGALIA GLYCOGENICA DIFFUSA; POMPE DISEASE, INFANTILE-ONSET; GLYCOGEN STORAGE DISEASE II, INFANTILE-ONSET; ACID ALPHA-GLUCOSIDASE DEFICIENCY, INFANTILE-ONSET. Identifiers: Orphanet 365, MedGen C0017921, MONDO:0009290, OMIM 232300.

Submission:

Labcorp Genetics (formerly Invitae), Labcorp
Classification: Uncertain significance for Glycogen storage disease, type II. Last evaluated: 2022-09-13. Review status: criteria provided, single submitter. Criteria: Invitae Variant Classification Sherloc (09022015). Collection method: clinical testing. Allele origin: germline.
Comment: In summary, the available evidence is currently insufficient to determine the role of this variant in disease. Therefore, it has been classified as a Variant of Uncertain Significance. Advanced modeling of protein sequence and biophysical properties (such as structural, functional, and spatial information, amino acid conservation, physicochemical variation, residue mobility, and thermodynamic stability) performed at Invitae indicates that this missense variant is not expected to disrupt GAA protein function. This variant has not been reported in the literature in individuals affected with GAA-related conditions. This variant is not present in population databases (gnomAD no frequency). This sequence change replaces proline, which is neutral and non-polar, with threonine, which is neutral and polar, at codon 787 of the GAA protein (p.Pro787Thr).

NM_000152.5(GAA):c.2359C>A (p.Pro787Thr)

Gene: GAA (alpha glucosidase; plus strand). Cytogenetic location: 17q25.3.
Variant type: single nucleotide variant.
Coding change: c.2359C>A on transcript NM_000152.5 (MANE Select); coding-DNA position 2359, C replaced by A.
Protein change: p.Pro787Thr; replaces proline 787 with threonine.
Molecular consequence: missense variant.
Genome position (GRCh38, 1-based): chr17:80,117,627, C>A. VCF-style: chr17-80117627-C-A. GRCh37 (hg19) VCF-style: chr17-78091426-C-A.
Other names: c.2359C>A, p.Pro787Thr (NM_001079803.3, NM_001079804.3, NM_001406741.1 and 1 more transcripts); short protein forms P787T.
Identifiers: ClinVar variation 1963504 (VCV001963504.5), dbSNP rs2510398877, ClinGen allele CA401325021.
Genomic context (GRCh38, chr17:80,117,627, plus strand): 5'-GCCCAGAATCCTCAAAGCAACATCTCCCTCCAGGTGCCAGTAGAGGCCCTTGGCAGCCTC[C>A]CACCCCCACCTGCAGCTCCCCGTGAGCCAGCCATCCACAGCGAGGGGCAGTGGGTGACGC-3'
Protein context (NP_000143.2, residues 777-797): TVPVEALGSL[Pro787Thr]PPPAAPREPA